The following is an entry in ClinVar:

NM_001278716.2(FBXL4):c.1549A>C (p.Thr517Pro)

Gene: FBXL4 (F-box and leucine rich repeat protein 4; minus strand). Cytogenetic location: 6q16.1.
Variant type: single nucleotide variant.
Coding change: c.1549A>C on transcript NM_001278716.2 (MANE Select); coding-DNA position 1549, A replaced by C.
Protein change: p.Thr517Pro; replaces threonine 517 with proline.
Molecular consequence: missense variant. On other transcripts: non-coding transcript variant (1).
Genome position (GRCh38, 1-based): chr6:98,875,568, T>G on the plus strand (A>C on the coding strand, the complement: FBXL4 is on the minus strand). VCF-style: chr6-98875568-T-G. GRCh37 (hg19) VCF-style: chr6-99323444-T-G.
Other names: c.1549A>C, p.Thr517Pro (NM_012160.5); short protein forms T517P.
Identifiers: ClinVar variation 437769 (VCV000437769.1), dbSNP rs763702280, ClinGen allele CA3933425.

ClinVar aggregate classification (germline): Uncertain significance (1 of 4 stars; one submission).

Conditions:
Mitochondrial DNA depletion syndrome 13. Also called: FBXL4-Related Encephalomyopathic Mitochondrial DNA Depletion Syndrome; Mitochondrial DNA depletion syndrome 13 (encephalomyopathic type). Identifiers: Orphanet 369897, MedGen C3809592, MONDO:0014198, OMIM 615471.

Allele frequency attached by ClinVar (database versions not stated): gnomAD exomes below 0.00001; ExAC 0.00001.
gnomAD v4.1: 1 of 1,614,106 alleles (0.000062%); highest among the groups gnomAD compares: East Asian, 0.0022%; no homozygotes.

Submission:

Wong Mito Lab, Molecular and Human Genetics, Baylor College of Medicine
Classification: Uncertain significance for Mitochondrial DNA depletion syndrome 13. Last evaluated: 2017-08-10. Review status: criteria provided, single submitter. Criteria: ACMG Guidelines, 2015. Collection method: reference population. Allele origin: germline.
Comment: The NM_012160.4:c.1549A>C (NP_036292.2:p.Thr517Pro) [GRCH38: NC_000006.12:g.98875568T>G] variant in FBXL4 gene is interpretated to be a Uncertain Significance - Insufficient Evidence based on ACMG guidelines (PMID: 25741868). This variant meets one or more of the following evidence codes reported in the ACMG-guideline. PM2:This variant is absent in key population databases. Based on this evidence code ClinGen Pathogenicity Calculator (PMID:28081714) suggested that the variant is Uncertain Significance - Insufficient Evidence.